The following is an entry in ClinVar:

ClinVar aggregate classification (germline): Uncertain significance (1 of 4 stars; one submission).

Conditions:
Bethlem myopathy 1A. Also called: MYOPATHY, BENIGN CONGENITAL, WITH CONTRACTURES; Bethlem myopathy 1; Bethlem Muscular Dystrophy. Identifiers: Orphanet 610, MedGen CN029274, MONDO:0024530, OMIM 158810.

gnomAD v4.1: 8 of 1,612,246 alleles (0.0005%); highest among the groups gnomAD compares: South Asian, 0.0077%; no homozygotes.

Submission:

Labcorp Genetics (formerly Invitae), Labcorp
Classification: Uncertain significance for Bethlem myopathy 1A. Last evaluated: 2025-05-01. Review status: criteria provided, single submitter. Criteria: Invitae Variant Classification Sherloc (09022015). Collection method: clinical testing. Allele origin: germline.
Comment: This sequence change replaces glycine, which is neutral and non-polar, with alanine, which is neutral and non-polar, at codon 520 of the COL6A1 protein (p.Gly520Ala). This variant is present in population databases (rs779368081, gnomAD 0.007%). This variant has not been reported in the literature in individuals affected with COL6A1-related conditions. Invitae Evidence Modeling of protein sequence and biophysical properties (such as structural, functional, and spatial information, amino acid conservation, physicochemical variation, residue mobility, and thermodynamic stability) indicates that this missense variant is not expected to disrupt COL6A1 protein function with a negative predictive value of 80%. This variant disrupts the triple helix domain of COL6A1. Glycine residues within the Gly-Xaa-Yaa repeats of the triple helix domain are required for the structure and stability of fibrillar collagens (PMID: 7695699, 8218237, 19344236). In COL6A1, variants at these glycine residues are significantly enriched in individuals with autosomal dominant disease (PMID: 15689448, 24038877) compared to the general population (ExAC). In summary, the available evidence is currently insufficient to determine the role of this variant in disease. Therefore, it has been classified as a Variant of Uncertain Significance.

Literature cited by the submitters: PubMed 7695699; PubMed 8218237; PubMed 19344236; PubMed 15689448; PubMed 24038877.

NM_001848.3(COL6A1):c.1559G>C (p.Gly520Ala)

Gene: COL6A1 (collagen type VI alpha 1 chain; plus strand). Cytogenetic location: 21q22.3.
Variant type: single nucleotide variant.
Coding change: c.1559G>C on transcript NM_001848.3 (MANE Select); coding-DNA position 1559, G replaced by C.
Protein change: p.Gly520Ala; replaces glycine 520 with alanine.
Molecular consequence: missense variant.
Genome position (GRCh38, 1-based): chr21:45,998,155, G>C. VCF-style: chr21-45998155-G-C. GRCh37 (hg19) VCF-style: chr21-47418069-G-C.
Other names: short protein forms G520A.
Identifiers: ClinVar variation 4706604 (VCV004706604.1).